The following is an entry in ClinVar:

NM_198253.3(TERT):c.1292C>A (p.Pro431His)

Gene: TERT (telomerase reverse transcriptase; minus strand). Cytogenetic location: 5p15.33.
Variant type: single nucleotide variant.
Coding change: c.1292C>A on transcript NM_198253.3 (MANE Select); coding-DNA position 1292, C replaced by A.
Protein change: p.Pro431His; replaces proline 431 with histidine.
Molecular consequence: missense variant. On other transcripts: non-coding transcript variant (2).
Genome position (GRCh38, 1-based): chr5:1,293,594, G>T on the plus strand (C>A on the coding strand, the complement: TERT is on the minus strand). VCF-style: chr5-1293594-G-T. GRCh37 (hg19) VCF-style: chr5-1293709-G-T.
Other names: c.1292C>A, p.Pro431His (NM_001193376.3); short protein forms P431H.
Identifiers: ClinVar variation 1376532 (VCV001376532.8), dbSNP rs1164823749, ClinGen allele CA359086351.

ClinVar aggregate classification (germline): Uncertain significance (1 of 4 stars; one submission).

Conditions:
Dyskeratosis congenita, autosomal dominant 2. Identifiers: MedGen C3151443, MONDO:0013521, OMIM 613989.
Idiopathic Pulmonary Fibrosis. Also called: Idiopathic fibrosing alveolitis, chronic form; idiopathic fibrosing alveolitis. Identifiers: Orphanet 2032, MedGen C1800706, MeSH D054990, MONDO:0800504.

Submission:

Labcorp Genetics (formerly Invitae), Labcorp
Classification: Uncertain significance for Dyskeratosis congenita, autosomal dominant 2; Idiopathic Pulmonary Fibrosis. Last evaluated: 2025-03-17. Review status: criteria provided, single submitter. Criteria: Invitae Variant Classification Sherloc (09022015). Collection method: clinical testing. Allele origin: germline.
Comment: This sequence change replaces proline, which is neutral and non-polar, with histidine, which is basic and polar, at codon 431 of the TERT protein (p.Pro431His). This variant is not present in population databases (gnomAD no frequency). This variant has not been reported in the literature in individuals affected with TERT-related conditions. ClinVar contains an entry for this variant (Variation ID: 1376532). Invitae Evidence Modeling of protein sequence and biophysical properties (such as structural, functional, and spatial information, amino acid conservation, physicochemical variation, residue mobility, and thermodynamic stability) indicates that this missense variant is not expected to disrupt TERT protein function with a negative predictive value of 95%. In summary, the available evidence is currently insufficient to determine the role of this variant in disease. Therefore, it has been classified as a Variant of Uncertain Significance.